The following is an entry in ClinVar:

NM_001170629.2(CHD8):c.5336G>A (p.Arg1779His)

Gene: CHD8 (chromodomain helicase DNA binding protein 8; minus strand). Cytogenetic location: 14q11.2.
Variant type: single nucleotide variant.
Coding change: c.5336G>A on transcript NM_001170629.2 (MANE Select); coding-DNA position 5336, G replaced by A.
Protein change: p.Arg1779His; replaces arginine 1779 with histidine.
Molecular consequence: missense variant.
Genome position (GRCh38, 1-based): chr14:21,394,966, C>T on the plus strand (G>A on the coding strand, the complement: CHD8 is on the minus strand). VCF-style: chr14-21394966-C-T. GRCh37 (hg19) VCF-style: chr14-21863125-C-T.
Other names: c.4499G>A, p.Arg1500His (NM_020920.4); short protein forms R1500H, R1779H.
Identifiers: ClinVar variation 2420299 (VCV002420299.30), dbSNP rs1285437485, ClinGen allele CA388883993.

ClinVar aggregate classification (germline): Uncertain significance. Review status: criteria provided, multiple submitters, no conflicts (2 of 4 stars). 2 submissions from 2 submitters: Uncertain significance (2). Last evaluated 2023-09-11.

Allele frequency attached by ClinVar (database versions not stated): TOPMed 0.00001; gnomAD 0.00002.

Submissions (2):

Labcorp Genetics (formerly Invitae), Labcorp
Classification: Uncertain significance. Last evaluated: 2023-09-11. Review status: criteria provided, single submitter. Criteria: Invitae Variant Classification Sherloc (09022015). Collection method: clinical testing. Allele origin: germline.
Comment: This sequence change replaces arginine, which is basic and polar, with histidine, which is basic and polar, at codon 1779 of the CHD8 protein (p.Arg1779His). This variant has not been reported in the literature in individuals affected with CHD8-related conditions. This variant is present in population databases (no rsID available, gnomAD 0.004%). ClinVar contains an entry for this variant (Variation ID: 2420299). Advanced modeling of protein sequence and biophysical properties (such as structural, functional, and spatial information, amino acid conservation, physicochemical variation, residue mobility, and thermodynamic stability) performed at Invitae indicates that this missense variant is expected to disrupt CHD8 protein function. In summary, the available evidence is currently insufficient to determine the role of this variant in disease. Therefore, it has been classified as a Variant of Uncertain Significance.

CeGaT Center for Human Genetics Tuebingen
Classification: Uncertain significance. Last evaluated: 2022-10-01. Review status: criteria provided, single submitter. Criteria: CeGaT Center For Human Genetics Tuebingen Variant Classification Criteria Version 2. Collection method: clinical testing. Allele origin: germline. Affected: yes. Observed: 1 variant allele.
Comment: CHD8: PP2